The following is an entry in ClinVar:

ClinVar aggregate classification (germline): Uncertain significance (1 of 4 stars; one submission).

Conditions:
Arrhythmogenic cardiomyopathy with wooly hair and keratoderma. Also called: Arrhythmogenic cardiomyopathy with woolly hair and keratoderma; PALMOPLANTAR KERATODERMA WITH LEFT VENTRICULAR CARDIOMYOPATHY AND WOOLLY HAIR; Carvajal syndrome; Dilated cardiomyopathy with woolly hair and keratoderma. Identifiers: Orphanet 65282, MedGen C1854063, MONDO:0011581, OMIM 605676.
Arrhythmogenic right ventricular dysplasia 8 (ARVD8). Also called: ARRHYTHMOGENIC RIGHT VENTRICULAR DYSPLASIA, FAMILIAL, 8; ARRHYTHMOGENIC RIGHT VENTRICULAR CARDIOMYOPATHY 8; Arrhythmogenic Right Ventricular Dysplasia/Cardiomyopathy 8. Identifiers: MedGen C1843896, MONDO:0011831, OMIM 607450.

gnomAD v4.1: 2 of 1,614,244 alleles (0.00012%); highest among the groups gnomAD compares: South Asian, 0.0011%; no homozygotes.

Submission:

Labcorp Genetics (formerly Invitae), Labcorp
Classification: Uncertain significance for Arrhythmogenic cardiomyopathy with wooly hair and keratoderma; Arrhythmogenic right ventricular dysplasia 8. Last evaluated: 2018-06-20. Review status: criteria provided, single submitter. Criteria: Invitae Variant Classification Sherloc (09022015). Collection method: clinical testing. Allele origin: germline.
Comment: This variant is not present in population databases (ExAC no frequency). This sequence change replaces histidine with arginine at codon 65 of the DSP protein (p.His65Arg). The histidine residue is moderately conserved and there is a small physicochemical difference between histidine and arginine. In summary, the available evidence is currently insufficient to determine the role of this variant in disease. Therefore, it has been classified as a Variant of Uncertain Significance. Algorithms developed to predict the effect of missense changes on protein structure and function (SIFT, PolyPhen-2, Align-GVGD) all suggest that this variant is likely to be tolerated, but these predictions have not been confirmed by published functional studies and their clinical significance is uncertain. This variant has not been reported in the literature in individuals with DSP-related disease.

NM_004415.4(DSP):c.194A>G (p.His65Arg)

Gene: DSP (desmoplakin; plus strand). Cytogenetic location: 6p24.3.
Variant type: single nucleotide variant.
Coding change: c.194A>G on transcript NM_004415.4 (MANE Select); coding-DNA position 194, A replaced by G.
Protein change: p.His65Arg; replaces histidine 65 with arginine.
Molecular consequence: missense variant.
Genome position (GRCh38, 1-based): chr6:7,555,741, A>G. VCF-style: chr6-7555741-A-G. GRCh37 (hg19) VCF-style: chr6-7555974-A-G.
Other names: c.194A>G (LRG_423t1); c.194A>G, p.His65Arg (NM_001008844.3, NM_001319034.2); short protein forms H65R.
Identifiers: ClinVar variation 566790 (VCV000566790.9), dbSNP rs771190708, ClinGen allele CA362670662.